The following is an entry in ClinVar:

NM_000088.4(COL1A1):c.2897A>G (p.Gln966Arg)

Gene: COL1A1 (collagen type I alpha 1 chain; minus strand). Cytogenetic location: 17q21.33.
Variant type: single nucleotide variant.
Coding change: c.2897A>G on transcript NM_000088.4 (MANE Select); coding-DNA position 2897, A replaced by G.
Protein change: p.Gln966Arg; replaces glutamine 966 with arginine.
Molecular consequence: missense variant.
Genome position (GRCh38, 1-based): chr17:50,189,208, T>C on the plus strand (A>G on the coding strand, the complement: COL1A1 is on the minus strand). VCF-style: chr17-50189208-T-C. GRCh37 (hg19) VCF-style: chr17-48266569-T-C.
Other names: short protein forms Q966R.
Identifiers: ClinVar variation 35917 (VCV000035917.3), dbSNP rs193922152, ClinGen allele CA260302.

ClinVar aggregate classification (germline): Likely pathogenic (1 of 4 stars; one submission).

Conditions:
Osteogenesis imperfecta (OI). Identifiers: Orphanet 666, MedGen C0029434, MeSH D010013, MONDO:0019019.

Submission:

Women's Health and Genetics/Laboratory Corporation of America, LabCorp
Classification: Likely pathogenic for Osteogenesis Imperfecta. Last evaluated: 2011-08-18. Review status: criteria provided, single submitter. Criteria: LabCorp Variant Classification Summary - May 2015. Collection method: curation, clinical testing. Allele origin: germline. Inheritance: autosomal unknown. Affected: yes.
ClinVar note: Converted during submission from likely pathogenic to Likely pathogenic.